The following is an entry in ClinVar:

NM_004371.4(COPA):c.766G>T (p.Val256Phe)

Gene: COPA (coat protein complex I subunit alpha; minus strand). Cytogenetic location: 1q23.2.
Variant type: single nucleotide variant.
Coding change: c.766G>T on transcript NM_004371.4 (MANE Select); coding-DNA position 766, G replaced by T.
Protein change: p.Val256Phe; replaces valine 256 with phenylalanine.
Molecular consequence: missense variant.
Genome position (GRCh38, 1-based): chr1:160,314,066, C>A on the plus strand (G>T on the coding strand, the complement: COPA is on the minus strand). VCF-style: chr1-160314066-C-A. GRCh37 (hg19) VCF-style: chr1-160283856-C-A.
Other names: c.766G>T (NM_001098398.1); c.766G>T, p.Val256Phe (NM_001098398.2); short protein forms V256F.
Identifiers: ClinVar variation 2084613 (VCV002084613.6), dbSNP rs143714109, ClinGen allele CA1198288.

ClinVar aggregate classification (germline): Conflicting classifications of pathogenicity. Review status: criteria provided, conflicting classifications (1 of 4 stars). 3 submissions from 3 submitters: Uncertain significance (2); Likely benign (1). Last evaluated 2025-11-28.

Conditions:
Inborn genetic diseases. Identifiers: MedGen C0950123, MeSH D030342.
Autoimmune interstitial lung disease-arthritis syndrome. Also called: Autoinflammation and autoimmunity, systemic, with immune dysregulation. Identifiers: Orphanet 444092, MedGen C5975714, MONDO:0014629.

gnomAD v4.1: 146 of 1,613,778 alleles (0.009%); highest among the groups gnomAD compares: Non-Finnish European, 0.012%; no homozygotes.

Submissions (3):

Labcorp Genetics (formerly Invitae), Labcorp
Classification: Uncertain significance for Autoimmune interstitial lung disease-arthritis syndrome. Last evaluated: 2025-11-28. Review status: criteria provided, single submitter. Criteria: Invitae Variant Classification Sherloc (09022015). Collection method: clinical testing. Allele origin: germline.
Comment: This sequence change replaces valine, which is neutral and non-polar, with phenylalanine, which is neutral and non-polar, at codon 256 of the COPA protein (p.Val256Phe). This variant is present in population databases (rs143714109, gnomAD 0.02%), and has an allele count higher than expected for a pathogenic variant. This variant has not been reported in the literature in individuals affected with COPA-related conditions. ClinVar contains an entry for this variant (Variation ID: 2084613). Invitae Evidence Modeling of protein sequence and biophysical properties (such as structural, functional, and spatial information, amino acid conservation, physicochemical variation, residue mobility, and thermodynamic stability) indicates that this missense variant is not expected to disrupt COPA protein function with a negative predictive value of 80%. In summary, the available evidence is currently insufficient to determine the role of this variant in disease. Therefore, it has been classified as a Variant of Uncertain Significance.

Ambry Genetics
Classification: Uncertain significance for Inborn genetic diseases. Last evaluated: 2025-11-26. Review status: criteria provided, single submitter. Criteria: Ambry Variant Classification Scheme 2023. Collection method: clinical testing. Allele origin: germline.

Blueprint Genetics
Classification: Likely benign. Last evaluated: 2022-07-15. Review status: criteria provided, single submitter. Criteria: ACMG Guidelines, 2015. Collection method: clinical testing. Allele origin: germline.